The following is an entry in ClinVar:

ClinVar aggregate classification (germline): Uncertain significance. Review status: criteria provided, multiple submitters, no conflicts (2 of 4 stars). 3 submissions from 3 submitters: Uncertain significance (3). Last evaluated 2026-02-17.

Conditions:
BBS9-related disorder. Also called: BBS9-related condition.
Bardet-Biedl syndrome (BBS). Identifiers: Orphanet 110, MedGen C0752166, MONDO:0015229.
Bardet-Biedl syndrome 9 (BBS9). Identifiers: Orphanet 110, MedGen C1859567, MONDO:0014437, OMIM 615986.

Allele frequency attached by ClinVar (database versions not stated): TOPMed 0.00003; gnomAD 0.00006.
gnomAD v4.1: 25 of 1,613,528 alleles (0.0015%); highest among the groups gnomAD compares: Admixed American, 0.01%; no homozygotes.

Submissions (3):

PreventionGenetics, part of Exact Sciences
Classification: Uncertain significance for BBS9-related condition. Last evaluated: 2026-02-17. Review status: criteria provided, single submitter. Criteria: ACMG Guidelines, 2015. Collection method: clinical testing. Allele origin: germline.
Comment: The BBS9 c.833G>A variant is predicted to result in the amino acid substitution p.Arg278Gln. To our knowledge, this variant has not been reported in the literature. This variant is reported in 0.0065% of alleles in individuals of South Asian descent in gnomAD. At this time, the clinical significance of this variant is uncertain due to the absence of conclusive functional and genetic evidence.

Fulgent Genetics
Classification: Uncertain significance for Bardet-Biedl syndrome 9. Last evaluated: 2022-05-03. Review status: criteria provided, single submitter. Criteria: ACMG Guidelines, 2015. Collection method: clinical testing. Allele origin: unknown.

Labcorp Genetics (formerly Invitae), Labcorp
Classification: Uncertain significance for Bardet-Biedl syndrome. Last evaluated: 2021-08-14. Review status: criteria provided, single submitter. Criteria: Invitae Variant Classification Sherloc (09022015). Collection method: clinical testing. Allele origin: germline.
Comment: This sequence change replaces arginine with glutamine at codon 278 of the BBS9 protein (p.Arg278Gln). The arginine residue is highly conserved and there is a small physicochemical difference between arginine and glutamine. This variant is present in population databases (rs754343745, ExAC 0.02%). This variant has not been reported in the literature in individuals affected with BBS9-related conditions. Algorithms developed to predict the effect of missense changes on protein structure and function output the following: SIFT: "Deleterious"; PolyPhen-2: "Benign"; Align-GVGD: "Class C35". The glutamine amino acid residue is found in multiple mammalian species, which suggests that this missense change does not adversely affect protein function. In summary, the available evidence is currently insufficient to determine the role of this variant in disease. Therefore, it has been classified as a Variant of Uncertain Significance.

NM_198428.3(BBS9):c.833G>A (p.Arg278Gln)

Gene: BBS9 (Bardet-Biedl syndrome 9; plus strand). Cytogenetic location: 7p14.3.
Variant type: single nucleotide variant.
Coding change: c.833G>A on transcript NM_198428.3 (MANE Select); coding-DNA position 833, G replaced by A.
Protein change: p.Arg278Gln; replaces arginine 278 with glutamine.
Molecular consequence: missense variant. On other transcripts: non-coding transcript variant (3).
Genome position (GRCh38, 1-based): chr7:33,273,142, G>A. VCF-style: chr7-33273142-G-A. GRCh37 (hg19) VCF-style: chr7-33312754-G-A.
Other names: c.833G>A, p.Arg278Gln (NM_001033604.2, NM_001033605.2, NM_001348036.1 and 5 more transcripts); c.467G>A, p.Arg156Gln (NM_001348037.3, NM_001348044.3, NM_001348045.3 and 1 more transcripts); c.560G>A, p.Arg187Gln (NM_001348038.3, NM_001348039.3); c.698G>A, p.Arg233Gln (NM_001348042.3); c.833G>A (NM_198428.2); short protein forms R278Q, R187Q, R156Q, R233Q.
Identifiers: ClinVar variation 1485492 (VCV001485492.7), dbSNP rs754343745, ClinGen allele CA4214119.